The following is an entry in ClinVar:

NM_022114.4(PRDM16):c.1893C>T (p.Ser631=)

Gene: PRDM16 (PR/SET domain 16; plus strand). Cytogenetic location: 1p36.32.
Variant type: single nucleotide variant.
Coding change: c.1893C>T on transcript NM_022114.4 (MANE Select); coding-DNA position 1893, C replaced by T.
Protein change: p.Ser631=; no amino-acid change (serine 631 retained).
Molecular consequence: synonymous variant.
Genome position (GRCh38, 1-based): chr1:3,412,090, C>T. VCF-style: chr1-3412090-C-T. GRCh37 (hg19) VCF-style: chr1-3328654-C-T.
Other names: c.1893C>T, p.Ser631= (NM_199454.3).
Identifiers: ClinVar variation 511531 (VCV000511531.12), dbSNP rs372411909, ClinGen allele CA544326.
Genomic context (GRCh38, chr1:3,412,090, plus strand): 5'-GGGGACCGACCTGGACACGACCACGGGGACGGGCTCGGACCTGGACAGCGACGTGGACAG[C>T]GACCCTGACAAGGACAAGGGCAAGGGCAAGTCCGCCGAGGGCCAGCCCAAGTTTGGGGGC-3'
Protein context (NP_071397.3, residues 621-641): TGSDLDSDVD[Ser631=]DPDKDKGKGK

ClinVar aggregate classification (germline): Likely benign. Review status: criteria provided, multiple submitters, no conflicts (2 of 4 stars). 3 submissions from 3 submitters: Likely benign (3). Last evaluated 2025-10-29.

Conditions:
Left ventricular noncompaction 8 (LVNC8). Identifiers: Orphanet 154, Orphanet 54260, MedGen C3809288, MONDO:0014152, OMIM 615373.

Allele frequency attached by ClinVar (database versions not stated): gnomAD exomes 0.00003 and 0.00006; TOPMed 0.00003; ExAC 0.00004; gnomAD 0.00005; ESP Exome Variant Server 0.00008.
gnomAD v4.1: 93 of 1,589,898 alleles (0.0058%); highest among the groups gnomAD compares: Non-Finnish European, 0.0076%; no homozygotes.

Submissions (3):

Labcorp Genetics (formerly Invitae), Labcorp
Classification: Likely benign for Left ventricular noncompaction 8. Last evaluated: 2025-10-29. Review status: criteria provided, single submitter. Criteria: Invitae Variant Classification Sherloc (09022015). Collection method: clinical testing. Allele origin: germline.

Blueprint Genetics
Classification: Likely benign. Last evaluated: 2022-11-16. Review status: criteria provided, single submitter. Criteria: ACMG Guidelines, 2015. Collection method: clinical testing. Allele origin: germline.

GeneDx
Classification: Likely benign. Last evaluated: 2017-08-18. Review status: criteria provided, single submitter. Criteria: GeneDx Variant Classification (06012015). Collection method: clinical testing. Allele origin: germline. Affected: yes.
Comment: This variant is considered likely benign or benign based on one or more of the following criteria: it is a conservative change, it occurs at a poorly conserved position in the protein, it is predicted to be benign by multiple in silico algorithms, and/or has population frequency not consistent with disease.